The following is an entry in ClinVar:

NM_182961.4(SYNE1):c.2168T>C (p.Phe723Ser)

Gene: SYNE1 (spectrin repeat containing nuclear envelope protein 1; minus strand). Cytogenetic location: 6q25.2.
Variant type: single nucleotide variant.
Coding change: c.2168T>C on transcript NM_182961.4 (MANE Select); coding-DNA position 2168, T replaced by C.
Protein change: p.Phe723Ser; replaces phenylalanine 723 with serine.
Molecular consequence: missense variant.
Genome position (GRCh38, 1-based): chr6:152,462,820, A>G on the plus strand (T>C on the coding strand, the complement: SYNE1 is on the minus strand). VCF-style: chr6-152462820-A-G. GRCh37 (hg19) VCF-style: chr6-152783955-A-G.
Other names: c.2189T>C, p.Phe730Ser (NM_033071.5); c.2189T>C (NM_033071.3); short protein forms F723S, F730S.
Identifiers: ClinVar variation 586723 (VCV000586723.9), dbSNP rs1348902701, ClinGen allele CA366122851.

ClinVar aggregate classification (germline): Uncertain significance. Review status: criteria provided, multiple submitters, no conflicts (2 of 4 stars). 3 submissions from 3 submitters: Uncertain significance (3). Last evaluated 2022-08-15.

Conditions:
Emery-Dreifuss muscular dystrophy 4, autosomal dominant (EDMD4). Also called: EMERY-DREIFUSS MUSCULAR DYSTROPHY 4 WITH VARIABLE FEATURES. Identifiers: Orphanet 261, MedGen C2751807, MONDO:0013071, OMIM 612998.
Autosomal recessive ataxia, Beauce type. Also called: SYNE1-Related Autosomal Recessive Cerebellar Ataxia; Spinocerebellar ataxia, autosomal recessive 8; ATAXIA, RECESSIVE, OF BEAUCE; SYNE1 Deficiency. Identifiers: Orphanet 88644, MedGen C1853116, MONDO:0012549, OMIM 610743.

Allele frequency attached by ClinVar (database versions not stated): gnomAD exomes 0.00001; TOPMed below 0.00001; gnomAD 0.00001.

Submissions (3):

Labcorp Genetics (formerly Invitae), Labcorp
Classification: Uncertain significance for Emery-Dreifuss muscular dystrophy 4, autosomal dominant; Autosomal recessive ataxia, Beauce type. Last evaluated: 2022-08-15. Review status: criteria provided, single submitter. Criteria: Invitae Variant Classification Sherloc (09022015). Collection method: clinical testing. Allele origin: germline.
Comment: ClinVar contains an entry for this variant (Variation ID: 586723). Algorithms developed to predict the effect of missense changes on protein structure and function are either unavailable or do not agree on the potential impact of this missense change (SIFT: "Deleterious"; PolyPhen-2: "Probably Damaging"; Align-GVGD: "Class C0"). In summary, the available evidence is currently insufficient to determine the role of this variant in disease. Therefore, it has been classified as a Variant of Uncertain Significance. This sequence change replaces phenylalanine, which is neutral and non-polar, with serine, which is neutral and polar, at codon 730 of the SYNE1 protein (p.Phe730Ser). This variant has not been reported in the literature in individuals affected with SYNE1-related conditions. This variant is present in population databases (no rsID available, gnomAD 0.006%).

Revvity Omics, Revvity
Classification: Uncertain significance. Last evaluated: 2022-04-14. Review status: criteria provided, single submitter. Criteria: ACMG Guidelines, 2015. Collection method: clinical testing. Allele origin: germline.

Athena Diagnostics
Classification: Uncertain significance. Last evaluated: 2017-09-25. Review status: criteria provided, single submitter. Criteria: Athena Diagnostics Criteria. Collection method: clinical testing. Allele origin: germline.